The following is an entry in ClinVar:

ClinVar aggregate classification (germline): Uncertain significance (1 of 4 stars; one submission).

Allele frequency attached by ClinVar (database versions not stated): ExAC 0.00001; gnomAD exomes 0.00001.
gnomAD v4.1: 13 of 1,211,843 alleles (0.0011%); highest among the groups gnomAD compares: Non-Finnish European, 0.0015%; no homozygotes.

Submission:

GeneDx
Classification: Uncertain significance. Last evaluated: 2022-05-19. Review status: criteria provided, single submitter. Criteria: GeneDx Variant Classification Process June 2021. Collection method: clinical testing. Allele origin: germline. Affected: yes.
Comment: Not observed at significant frequency in large population cohorts (gnomAD); In silico analysis supports that this missense variant does not alter protein structure/function; Has not been previously published as pathogenic or benign to our knowledge

NM_000381.4(MID1):c.1937A>G (p.Lys646Arg)

Genes: MID1 (midline 1; minus strand), LOC126863207 (BRD4-independent group 4 enhancer GRCh37_chrX:10416979-10418178; plus strand). Cytogenetic location: Xp22.2.
Variant type: single nucleotide variant.
Coding change: c.1937A>G on transcript NM_000381.4 (MANE Select); coding-DNA position 1937, A replaced by G.
Protein change: p.Lys646Arg; replaces lysine 646 with arginine.
Molecular consequence: missense variant.
Genome position (GRCh38, 1-based): chrX:10,449,435, T>C on the plus strand (A>G on the coding strand, the complement: MID1 is on the minus strand). VCF-style: chrX-10449435-T-C. GRCh37 (hg19) VCF-style: chrX-10417475-T-C.
Other names: c.1937A>G, p.Lys646Arg (NM_001098624.2, NM_001193277.1, NM_001347733.2 and 1 more transcripts); c.1823A>G, p.Lys608Arg (NM_033289.2); short protein forms K608R, K646R.
Identifiers: ClinVar variation 1800685 (VCV001800685.1), dbSNP rs757315836, ClinGen allele CA10347385.